The following is an entry in ClinVar:

NM_001271938.2(MEGF8):c.2275C>T (p.Arg759Cys)

Gene: MEGF8 (multiple EGF like domains 8; plus strand). Cytogenetic location: 19q13.2.
Variant type: single nucleotide variant.
Coding change: c.2275C>T on transcript NM_001271938.2 (MANE Select); coding-DNA position 2275, C replaced by T.
Protein change: p.Arg759Cys; replaces arginine 759 with cysteine.
Molecular consequence: missense variant. On other transcripts: intron variant (1).
Genome position (GRCh38, 1-based): chr19:42,348,449, C>T. VCF-style: chr19-42348449-C-T. GRCh37 (hg19) VCF-style: chr19-42852601-C-T.
Other names: c.2098-1050C>T (NM_001410.3); short protein forms R759C.
Identifiers: ClinVar variation 5017709 (VCV005017709.1).

ClinVar aggregate classification (germline): Uncertain significance (1 of 4 stars; one submission).

gnomAD v4.1: 58 of 1,525,110 alleles (0.0038%); highest among the groups gnomAD compares: South Asian, 0.006%; no homozygotes.

Submission:

GeneDx
Classification: Uncertain significance. Last evaluated: 2026-03-28. Review status: criteria provided, single submitter. Criteria: GeneDx Variant Classification Process June 2021. Collection method: clinical testing. Allele origin: germline.
Comment: In silico analysis suggests that this missense variant does not alter protein structure/function; Has not been previously published as pathogenic or benign to our knowledge; Reported using an alternate transcript of the gene